The following is an entry in ClinVar:

ClinVar aggregate classification (germline): Conflicting classifications of pathogenicity. Review status: criteria provided, conflicting classifications (1 of 4 stars). 5 submissions from 5 submitters: Uncertain significance (1); Benign (1); Likely benign (3). Last evaluated 2026-07-01.

Conditions:
Inborn genetic diseases. Identifiers: MedGen C0950123, MeSH D030342.

Allele frequency attached by ClinVar (database versions not stated): ExAC 0.00028; gnomAD 0.00030 and 0.00031; gnomAD exomes 0.00066 and 0.00033; TOPMed 0.00037; ESP Exome Variant Server 0.00038; 1000 Genomes Project 0.00040; 1000 Genomes Project 30x 0.00062.
gnomAD v4.1: 1,036 of 1,613,756 alleles (0.064%); highest among the groups gnomAD compares: Non-Finnish European, 0.081%; 2 homozygotes.

Submissions (5):

CeGaT Center for Human Genetics Tuebingen
Classification: Likely benign. Last evaluated: 2026-07-01. Review status: criteria provided, single submitter. Criteria: CeGaT Center For Human Genetics Tuebingen Variant Classification Criteria Version 2. Collection method: clinical testing. Allele origin: germline. Affected: yes. Observed: 5 variant alleles.
Comment: RHOBTB2: BS2

Labcorp Genetics (formerly Invitae), Labcorp
Classification: Benign. Last evaluated: 2025-11-27. Review status: criteria provided, single submitter. Criteria: Invitae Variant Classification Sherloc (09022015). Collection method: clinical testing. Allele origin: germline.

Blueprint Genetics
Classification: Likely benign. Last evaluated: 2024-10-31. Review status: criteria provided, single submitter. Criteria: ACMG Guidelines, 2015. Collection method: clinical testing. Allele origin: germline.

GeneDx
Classification: Uncertain significance. Last evaluated: 2024-09-05. Review status: criteria provided, single submitter. Criteria: GeneDx Variant Classification Process June 2021. Collection method: clinical testing. Allele origin: germline. Affected: yes.
Comment: In silico analysis indicates that this missense variant does not alter protein structure/function; Has not been previously published as pathogenic or benign to our knowledge

Ambry Genetics
Classification: Likely benign for Inborn genetic diseases. Last evaluated: 2021-12-06. Review status: criteria provided, single submitter. Criteria: Ambry Variant Classification Scheme 2023. Collection method: clinical testing. Allele origin: germline.

NM_015178.3(RHOBTB2):c.1102G>A (p.Asp368Asn)

Gene: RHOBTB2 (Rho related BTB domain containing 2; plus strand). Cytogenetic location: 8p21.3.
Variant type: single nucleotide variant.
Coding change: c.1102G>A on transcript NM_015178.3 (MANE Select); coding-DNA position 1102, G replaced by A.
Protein change: p.Asp368Asn; replaces aspartic acid 368 with asparagine.
Molecular consequence: missense variant.
Genome position (GRCh38, 1-based): chr8:23,007,347, G>A. VCF-style: chr8-23007347-G-A. GRCh37 (hg19) VCF-style: chr8-22864860-G-A.
Other names: c.1168G>A, p.Asp390Asn (NM_001160036.2); c.1123G>A, p.Asp375Asn (NM_001160037.2); c.1102G>A, p.Asp368Asn (NM_001374791.1); c.1168G>A (NM_001160036.1); short protein forms D368N, D375N, D390N.
Identifiers: ClinVar variation 1013026 (VCV001013026.46), dbSNP rs150618811, ClinGen allele CA4672604.